The following is an entry in ClinVar:

ClinVar aggregate classification (germline): Uncertain significance. Review status: criteria provided, multiple submitters, no conflicts (2 of 4 stars). 4 submissions from 4 submitters: Uncertain significance (4). Last evaluated 2025-09-05.

Conditions:
Inborn genetic diseases. Identifiers: MedGen C0950123, MeSH D030342.
Glycogen storage disease due to muscle and heart glycogen synthase deficiency. Also called: MUSCLE GLYCOGEN SYNTHASE DEFICIENCY; GSD 0b. Identifiers: Orphanet 137625, MedGen C1969054, MONDO:0012693, OMIM 611556.

Allele frequency attached by ClinVar (database versions not stated): gnomAD 0.00001; gnomAD exomes 0.00001 and 0.00002; ExAC 0.00003.
gnomAD v4.1: 17 of 1,611,010 alleles (0.0011%); highest among the groups gnomAD compares: Middle Eastern, 0.016%; no homozygotes.

Submissions (4):

Ambry Genetics
Classification: Uncertain significance for Inborn genetic diseases. Last evaluated: 2025-09-05. Review status: criteria provided, single submitter. Criteria: Ambry Variant Classification Scheme 2023. Collection method: clinical testing. Allele origin: germline.

Revvity Omics, Revvity
Classification: Uncertain significance for Glycogen storage disease due to muscle and heart glycogen synthase deficiency. Last evaluated: 2023-01-20. Review status: criteria provided, single submitter. Criteria: ACMG Guidelines, 2015. Collection method: clinical testing. Allele origin: germline.

Labcorp Genetics (formerly Invitae), Labcorp
Classification: Uncertain significance for Glycogen storage disease due to muscle and heart glycogen synthase deficiency. Last evaluated: 2022-04-25. Review status: criteria provided, single submitter. Criteria: Invitae Variant Classification Sherloc (09022015). Collection method: clinical testing. Allele origin: germline.
Comment: This sequence change replaces phenylalanine, which is neutral and non-polar, with leucine, which is neutral and non-polar, at codon 440 of the GYS1 protein (p.Phe440Leu). This variant is present in population databases (rs756191455, gnomAD 0.004%). This variant has not been reported in the literature in individuals affected with GYS1-related conditions. ClinVar contains an entry for this variant (Variation ID: 498163). Algorithms developed to predict the effect of missense changes on protein structure and function (SIFT, PolyPhen-2, Align-GVGD) all suggest that this variant is likely to be tolerated. In summary, the available evidence is currently insufficient to determine the role of this variant in disease. Therefore, it has been classified as a Variant of Uncertain Significance.

Eurofins Ntd Llc (ga)
Classification: Uncertain significance. Last evaluated: 2016-10-28. Review status: criteria provided, single submitter. Criteria: EGL Classification Definitions 2015. Collection method: clinical testing. Allele origin: germline. Observed: 1 variant allele, 1 heterozygote.

NM_002103.5(GYS1):c.1318T>C (p.Phe440Leu)

Gene: GYS1 (glycogen synthase 1; minus strand). Cytogenetic location: 19q13.33.
Variant type: single nucleotide variant.
Coding change: c.1318T>C on transcript NM_002103.5 (MANE Select); coding-DNA position 1318, T replaced by C.
Protein change: p.Phe440Leu; replaces phenylalanine 440 with leucine.
Molecular consequence: missense variant. On other transcripts: non-coding transcript variant (1).
Genome position (GRCh38, 1-based): chr19:48,974,724, A>G on the plus strand (T>C on the coding strand, the complement: GYS1 is on the minus strand). VCF-style: chr19-48974724-A-G. GRCh37 (hg19) VCF-style: chr19-49477981-A-G.
Other names: c.1318T>C (NM_002103.4); c.1126T>C, p.Phe376Leu (NM_001161587.2); short protein forms F440L, F376L.
Identifiers: ClinVar variation 498163 (VCV000498163.10), dbSNP rs756191455, ClinGen allele CA9562984.